The following is an entry in ClinVar:

NM_001267550.2(TTN):c.104584C>T (p.Pro34862Ser)

Genes: TTN (titin; minus strand), TTN-AS1 (TTN antisense RNA 1; plus strand). Cytogenetic location: 2q31.2.
Variant type: single nucleotide variant.
Coding change: c.104584C>T on transcript NM_001267550.2 (MANE Select); coding-DNA position 104584, C replaced by T.
Protein change: p.Pro34862Ser; replaces proline 34862 with serine.
Molecular consequence: missense variant.
Genome position (GRCh38, 1-based): chr2:178,532,031, G>A on the plus strand (C>T on the coding strand, the complement: TTN is on the minus strand). VCF-style: chr2-178532031-G-A. GRCh37 (hg19) VCF-style: chr2-179396758-G-A.
Other names: c.99661C>T, p.Pro33221Ser (NM_001256850.1); c.77389C>T, p.Pro25797Ser (NM_003319.4); c.96880C>T, p.Pro32294Ser (NM_133378.4); c.77764C>T, p.Pro25922Ser (NM_133432.3); c.77965C>T, p.Pro25989Ser (NM_133437.4); short protein forms P25797S, P25922S, P34862S, P25989S, P32294S, P33221S.
Identifiers: ClinVar variation 1478789 (VCV001478789.8), dbSNP rs2154133959, ClinGen allele CA349411361.
Genomic context (GRCh38, chr2:178,532,031, plus strand): 5'-TTCTCTCTGGAGTAGGTGACCTTCTTTCTGTGTCATCTTCGTATTCCTCAGCCGGTTGTG[G>A]ACGTGACCGGATCAGCTCAGACACTGGCCTCATTAACTCAATATAAGTTGGAGACAGGGA-3'
Protein context (NP_001254479.2, residues 34852-34872): RPVSELIRSR[Pro34862Ser]QPAEEYEDDT

ClinVar aggregate classification (germline): Uncertain significance (1 of 4 stars; one submission).

Conditions:
Dilated cardiomyopathy 1G (CMD1G). Identifiers: Orphanet 154, MedGen C1858763, MONDO:0011400, OMIM 604145.
Autosomal recessive limb-girdle muscular dystrophy type 2J (LGMDR10). Also called: Limb-girdle muscular dystrophy, type 2J; MUSCULAR DYSTROPHY, LIMB-GIRDLE, AUTOSOMAL RECESSIVE 10. Identifiers: Orphanet 140922, MedGen C1837342, MONDO:0012127, OMIM 608807.

Submission:

Labcorp Genetics (formerly Invitae), Labcorp
Classification: Uncertain significance for Dilated cardiomyopathy 1G; Autosomal recessive limb-girdle muscular dystrophy type 2J. Last evaluated: 2022-08-16. Review status: criteria provided, single submitter. Criteria: Invitae Variant Classification Sherloc (09022015). Collection method: clinical testing. Allele origin: germline.
Comment: This sequence change replaces proline, which is neutral and non-polar, with serine, which is neutral and polar, at codon 34862 of the TTN protein (p.Pro34862Ser). This variant is not present in population databases (gnomAD no frequency). This variant has not been reported in the literature in individuals affected with TTN-related conditions. ClinVar contains an entry for this variant (Variation ID: 1478789). Experimental studies and prediction algorithms are not available or were not evaluated, and the functional significance of this variant is currently unknown. This variant is located in the M band of TTN (PMID: 25589632). Variants in this region may be relevant for neuromuscular disorders, but have not been definitively shown to cause cardiomyopathy (PMID: 23975875). In summary, the available evidence is currently insufficient to determine the role of this variant in disease. Therefore, it has been classified as a Variant of Uncertain Significance.

Literature cited by the submitters: PubMed 25589632; PubMed 23975875.